The following is an entry in ClinVar:

ClinVar aggregate classification (germline): Uncertain significance. Review status: criteria provided, multiple submitters, no conflicts (2 of 4 stars). 2 submissions from 2 submitters: Uncertain significance (2). Last evaluated 2024-05-23.

Conditions:
Hereditary cancer-predisposing syndrome. Also called: Hereditary neoplastic syndrome; Neoplastic Syndromes, Hereditary; Tumor predisposition; Hereditary Cancer Syndrome. Identifiers: Orphanet 140162, MedGen C0027672, MeSH D009386, MONDO:0015356.
DICER1-related tumor predisposition. Also called: DICER1 syndrome; DICER1-related pleuropulmonary blastoma cancer predisposition syndrome. Identifiers: Orphanet 284343, MedGen C3839822, MONDO:0100216.

Allele frequency attached by ClinVar (database versions not stated): gnomAD exomes below 0.00001.
gnomAD v4.1: 2 of 1,613,300 alleles (0.00012%); highest among the groups gnomAD compares: Admixed American, 0.0017%; no homozygotes.

Submissions (2):

Labcorp Genetics (formerly Invitae), Labcorp
Classification: Uncertain significance for DICER1-related tumor predisposition. Last evaluated: 2024-05-23. Review status: criteria provided, single submitter. Criteria: Invitae Variant Classification Sherloc (09022015). Collection method: clinical testing. Allele origin: germline.
Comment: This sequence change replaces glycine, which is neutral and non-polar, with arginine, which is basic and polar, at codon 1097 of the DICER1 protein (p.Gly1097Arg). This variant is present in population databases (no rsID available, gnomAD 0.003%). This variant has not been reported in the literature in individuals affected with DICER1-related conditions. ClinVar contains an entry for this variant (Variation ID: 1024225). Advanced modeling of protein sequence and biophysical properties (such as structural, functional, and spatial information, amino acid conservation, physicochemical variation, residue mobility, and thermodynamic stability) performed at Invitae indicates that this missense variant is expected to disrupt DICER1 protein function with a positive predictive value of 80%. Algorithms developed to predict the effect of sequence changes on RNA splicing suggest that this variant may disrupt the consensus splice site. In summary, the available evidence is currently insufficient to determine the role of this variant in disease. Therefore, it has been classified as a Variant of Uncertain Significance.

Ambry Genetics
Classification: Uncertain significance for Hereditary cancer-predisposing syndrome. Last evaluated: 2023-09-11. Review status: criteria provided, single submitter. Criteria: Ambry Variant Classification Scheme 2023. Collection method: clinical testing. Allele origin: germline.
Comment: The p.G1097R variant (also known as c.3289G>A), located in coding exon 20 of the DICER1 gene, results from a G to A substitution at nucleotide position 3289. The glycine at codon 1097 is replaced by arginine, an amino acid with dissimilar properties. This amino acid position is highly conserved in available vertebrate species. In addition, this alteration is predicted to be deleterious by in silico analysis. Since supporting evidence is limited at this time, the clinical significance of this alteration remains unclear.

NM_177438.3(DICER1):c.3289G>A (p.Gly1097Arg)

Gene: DICER1 (dicer 1, ribonuclease III; minus strand). Cytogenetic location: 14q32.13.
Variant type: single nucleotide variant.
Coding change: c.3289G>A on transcript NM_177438.3 (MANE Select); coding-DNA position 3289, G replaced by A.
Protein change: p.Gly1097Arg; replaces glycine 1097 with arginine.
Molecular consequence: missense variant.
Genome position (GRCh38, 1-based): chr14:95,104,107, C>T on the plus strand (G>A on the coding strand, the complement: DICER1 is on the minus strand). VCF-style: chr14-95104107-C-T. GRCh37 (hg19) VCF-style: chr14-95570444-C-T.
Other names: c.3289G>A (NM_177438.2); c.3289G>A, p.Gly1097Arg (NM_001195573.1, NM_001271282.3, NM_001291628.2 and 1 more transcripts); short protein forms G1097R.
Identifiers: ClinVar variation 1024225 (VCV001024225.10), dbSNP rs1466088737, ClinGen allele CA390876056.
Genomic context (GRCh38, chr14:95,104,107, plus strand): 5'-CAGCTGAAGAGGAGTTAGAAATTGAGATGAAAGATTTGCTGTCAATAGATTTTTTCCACC[C>T]GAAGTCTAAGTTAGGGTATCTGCAAAGACATTTTTATAACTTTACATCAGATTCTTCAAA-3'
Protein context (NP_803187.1, residues 1087-1107): ADFRYPNLDF[Gly1097Arg]WKKSIDSKSF